The following is an entry in ClinVar:

NM_001252102.2(KIF21B):c.1843G>C (p.Glu615Gln)

Gene: KIF21B (kinesin family member 21B; minus strand). Cytogenetic location: 1q32.1.
Variant type: single nucleotide variant.
Coding change: c.1843G>C on transcript NM_001252102.2 (MANE Select); coding-DNA position 1843, G replaced by C.
Protein change: p.Glu615Gln; replaces glutamic acid 615 with glutamine.
Molecular consequence: missense variant.
Genome position (GRCh38, 1-based): chr1:200,999,391, C>G on the plus strand (G>C on the coding strand, the complement: KIF21B is on the minus strand). VCF-style: chr1-200999391-C-G. GRCh37 (hg19) VCF-style: chr1-200968519-C-G.
Other names: c.1843G>C, p.Glu615Gln (NM_001252100.2, NM_001252103.2, NM_017596.4); short protein forms E615Q.
Identifiers: ClinVar variation 3572658 (VCV003572658.1).

ClinVar aggregate classification (germline): Uncertain significance (1 of 4 stars; one submission).

Submission:

GeneDx
Classification: Uncertain significance. Last evaluated: 2024-07-09. Review status: criteria provided, single submitter. Criteria: GeneDx Variant Classification Process June 2021. Collection method: clinical testing. Allele origin: germline. Affected: yes.
Comment: Not observed at significant frequency in large population cohorts (gnomAD); In silico analysis indicates that this missense variant does not alter protein structure/function; Has not been previously published as pathogenic or benign to our knowledge